The following is an entry in ClinVar:

NM_001040113.2(MYH11):c.5810G>A (p.Gly1937Glu)

Genes: NDE1 (nudE neurodevelopment protein 1; plus strand), MYH11 (myosin heavy chain 11; minus strand). Cytogenetic location: 16p13.11.
Variant type: single nucleotide variant.
Coding change: c.5810G>A on transcript NM_001040113.2 (MANE Plus Clinical); coding-DNA position 5810, G replaced by A.
Protein change: p.Gly1937Glu; replaces glycine 1937 with glutamic acid.
Molecular consequence: missense variant. On other transcripts: intron variant (4).
Genome position (GRCh38, 1-based): chr16:15,708,839, C>T on the plus strand (G>A on the coding strand, the complement: MYH11 is on the minus strand). VCF-style: chr16-15708839-C-T. GRCh37 (hg19) VCF-style: chr16-15802696-C-T.
Other names: c.5789G>A, p.Gly1930Glu (NM_022844.3); c.947+11979C>T (NM_001143979.2, NM_017668.3); c.5787-4716G>A (NM_002474.3); c.5808-4716G>A (NM_001040114.2); short protein forms G1930E, G1937E.
Identifiers: ClinVar variation 4704762 (VCV004704762.1).

ClinVar aggregate classification (germline): Uncertain significance (1 of 4 stars; one submission).

Conditions:
Aortic aneurysm, familial thoracic 4 (AAT4). Also called: AORTIC ANEURYSM/AORTIC DISSECTION AND PATENT DUCTUS ARTERIOSUS. Identifiers: MedGen C1851504, MONDO:0007568, OMIM 132900.

Submission:

Labcorp Genetics (formerly Invitae), Labcorp
Classification: Uncertain significance for Aortic aneurysm, familial thoracic 4. Last evaluated: 2025-05-05. Review status: criteria provided, single submitter. Criteria: Invitae Variant Classification Sherloc (09022015). Collection method: clinical testing. Allele origin: germline.
Comment: This sequence change replaces glycine, which is neutral and non-polar, with glutamic acid, which is acidic and polar, at codon 1937 of the MYH11 protein (p.Gly1937Glu). This variant is not present in population databases (gnomAD no frequency). This variant has not been reported in the literature in individuals affected with MYH11-related conditions. An algorithm developed to predict the effect of missense changes on protein structure and function (PolyPhen-2) suggests that this variant is likely to be tolerated. In summary, the available evidence is currently insufficient to determine the role of this variant in disease. Therefore, it has been classified as a Variant of Uncertain Significance.